The following is an entry in ClinVar:

ClinVar aggregate classification (germline): Pathogenic (1 of 4 stars; one submission).

Conditions:
Menkes kinky-hair syndrome (MNK). Also called: Copper transport disease; Menkes Disease; Classic Menkes Disease. Identifiers: Orphanet 565, MedGen C0022716, MONDO:0010651, OMIM 309400.
Cutis laxa, X-linked (OHS). Also called: EDS IX; Occipital horn syndrome. Identifiers: Orphanet 198, MedGen C0268353, MONDO:0010572, OMIM 304150.
X-linked distal spinal muscular atrophy type 3. Also called: ATP7A-Related Distal Motor Neuropathy; SPINAL MUSCULAR ATROPHY, DISTAL, X-LINKED RECESSIVE; NEURONOPATHY, DISTAL HEREDITARY MOTOR, X-LINKED; NEUROPATHY, DISTAL HEREDITARY MOTOR, X-LINKED. Identifiers: Orphanet 139557, MedGen C1845359, MONDO:0010338, OMIM 300489.

Submission:

Labcorp Genetics (formerly Invitae), Labcorp
Classification: Pathogenic for X-linked distal spinal muscular atrophy type 3; Cutis laxa, X-linked; Menkes kinky-hair syndrome. Last evaluated: 2022-09-15. Review status: criteria provided, single submitter. Criteria: Invitae Variant Classification Sherloc (09022015). Collection method: clinical testing. Allele origin: germline.
Comment: This sequence change creates a premature translational stop signal (p.Glu429*) in the ATP7A gene. It is expected to result in an absent or disrupted protein product. Loss-of-function variants in ATP7A are known to be pathogenic (PMID: 11241493, 20652413). This variant is not present in population databases (gnomAD no frequency). This variant has not been reported in the literature in individuals affected with ATP7A-related conditions. For these reasons, this variant has been classified as Pathogenic.

Literature cited by the submitters: PubMed 11241493; PubMed 20652413.

NM_000052.7(ATP7A):c.1285G>T (p.Glu429Ter)

Gene: ATP7A (ATPase copper transporting alpha; plus strand). Cytogenetic location: Xq21.1.
Variant type: single nucleotide variant.
Coding change: c.1285G>T on transcript NM_000052.7 (MANE Select); coding-DNA position 1285, G replaced by T.
Protein change: p.Glu429Ter; replaces glutamic acid 429 with a stop codon.
Molecular consequence: nonsense.
Genome position (GRCh38, 1-based): chrX:77,989,907, G>T. VCF-style: chrX-77989907-G-T. GRCh37 (hg19) VCF-style: chrX-77245403-G-T.
Other names: c.1285G>T, p.Glu429Ter (NM_001282224.2); short protein forms E429*.
Identifiers: ClinVar variation 2030612 (VCV002030612.4), dbSNP rs2522295388, ClinGen allele CA413602208.